The following is an entry in ClinVar:

NM_020207.7(ERCC6L2):c.3304G>A (p.Glu1102Lys)

Gene: ERCC6L2 (ERCC excision repair 6 like 2; plus strand). Cytogenetic location: 9q22.32.
Variant type: single nucleotide variant.
Coding change: c.3304G>A on transcript NM_020207.7 (MANE Select); coding-DNA position 3304, G replaced by A.
Protein change: p.Glu1102Lys; replaces glutamic acid 1102 with lysine.
Molecular consequence: missense variant. On other transcripts: non-coding transcript variant (1).
Genome position (GRCh38, 1-based): chr9:95,973,055, G>A. VCF-style: chr9-95973055-G-A. GRCh37 (hg19) VCF-style: chr9-98735337-G-A.
Other names: c.3304G>A, p.Glu1102Lys (NM_001375291.1, NM_001375292.1, NM_001375293.1 and 1 more transcripts); short protein forms E1102K.
Identifiers: ClinVar variation 2751736 (VCV002751736.3), dbSNP rs2490562394, ClinGen allele CA2697557870.

ClinVar aggregate classification (germline): Uncertain significance (1 of 4 stars; one submission).

Submission:

Labcorp Genetics (formerly Invitae), Labcorp
Classification: Uncertain significance. Last evaluated: 2023-08-10. Review status: criteria provided, single submitter. Criteria: Invitae Variant Classification Sherloc (09022015). Collection method: clinical testing. Allele origin: germline.
Comment: This sequence change replaces glutamic acid, which is acidic and polar, with lysine, which is basic and polar, at codon 1113 of the ERCC6L2 protein (p.Glu1113Lys). In summary, the available evidence is currently insufficient to determine the role of this variant in disease. Therefore, it has been classified as a Variant of Uncertain Significance. Experimental studies and prediction algorithms are not available or were not evaluated, and the functional significance of this variant is currently unknown. This variant has not been reported in the literature in individuals affected with ERCC6L2-related conditions. This variant is not present in population databases (gnomAD no frequency).